The following is an entry in ClinVar:

ClinVar aggregate classification (germline): Uncertain significance (1 of 4 stars; one submission).

Conditions:
Intellectual developmental disorder, X-linked, syndromic, Hedera type. Also called: Syndromic X-linked intellectual disability Hedera type. Identifiers: Orphanet 93952, MedGen C1845543, MONDO:0010319, OMIM 300423.

Submission:

Labcorp Genetics (formerly Invitae), Labcorp
Classification: Uncertain significance for Intellectual developmental disorder, X-linked, syndromic, Hedera type. Last evaluated: 2022-02-05. Review status: criteria provided, single submitter. Criteria: Invitae Variant Classification Sherloc (09022015). Collection method: clinical testing. Allele origin: germline.
Comment: In summary, the available evidence is currently insufficient to determine the role of this variant in disease. Therefore, it has been classified as a Variant of Uncertain Significance. Algorithms developed to predict the effect of missense changes on protein structure and function (SIFT, PolyPhen-2, Align-GVGD) all suggest that this variant is likely to be tolerated. This variant has not been reported in the literature in individuals affected with ATP6AP2-related conditions. This variant is not present in population databases (gnomAD no frequency). This sequence change replaces alanine, which is neutral and non-polar, with proline, which is neutral and non-polar, at codon 87 of the ATP6AP2 protein (p.Ala87Pro).

NM_005765.3(ATP6AP2):c.259G>C (p.Ala87Pro)

Gene: ATP6AP2 (ATPase H+ transporting accessory protein 2; plus strand). Cytogenetic location: Xp11.4.
Variant type: single nucleotide variant.
Coding change: c.259G>C on transcript NM_005765.3 (MANE Select); coding-DNA position 259, G replaced by C.
Protein change: p.Ala87Pro; replaces alanine 87 with proline.
Molecular consequence: missense variant.
Genome position (GRCh38, 1-based): chrX:40,591,324, G>C. VCF-style: chrX-40591324-G-C. GRCh37 (hg19) VCF-style: chrX-40450576-G-C.
Other names: short protein forms A87P.
Identifiers: ClinVar variation 1435119 (VCV001435119.8), dbSNP rs1926620037, ClinGen allele CA412754297.